The following is an entry in ClinVar:

NM_000051.4(ATM):c.6924C>T (p.Ala2308=)

Genes: ATM (ATM serine/threonine kinase; plus strand), C11orf65 (chromosome 11 open reading frame 65; minus strand). Cytogenetic location: 11q22.3.
Variant type: single nucleotide variant.
Coding change: c.6924C>T on transcript NM_000051.4 (MANE Select); coding-DNA position 6924, C replaced by T.
Protein change: p.Ala2308=; no amino-acid change (alanine 2308 retained).
Molecular consequence: synonymous variant. On other transcripts: intron variant (2).
Genome position (GRCh38, 1-based): chr11:108,326,174, C>T. VCF-style: chr11-108326174-C-T. GRCh37 (hg19) VCF-style: chr11-108196901-C-T.
Other names: c.6924C>T, p.Ala2308= (NM_001351834.2); c.641-17103G>A (NM_001330368.2); c.*38+9046G>A (NM_001351110.2).
Identifiers: ClinVar variation 925033 (VCV000925033.10), dbSNP rs759878732, ClinGen allele CA476676372.
Genomic context (GRCh38, chr11:108,326,174, plus strand): 5'-CTCTGAGTGGCAGCTGGAAGAAGCACAAGTATTCTGGGCAAAAAAGGAGCAGAGTCTTGC[C>T]CTGAGTATTCTCAAGCAAATGATCAAGAAGTTGGATGCCAGCTGTGCAGCGGTTTGTTTT-3'
Protein context (NP_000042.3, residues 2298-2318): VFWAKKEQSL[Ala2308=]LSILKQMIKK

ClinVar aggregate classification (germline): Benign/Likely benign. Review status: criteria provided, multiple submitters, no conflicts (2 of 4 stars). 3 submissions from 3 submitters: Benign (1); Likely benign (2). Last evaluated 2024-06-12.

Conditions:
Hereditary cancer-predisposing syndrome. Also called: Tumor predisposition; Neoplastic Syndromes, Hereditary; Hereditary neoplastic syndrome; Hereditary Cancer Syndrome. Identifiers: Orphanet 140162, MedGen C0027672, MeSH D009386, MONDO:0015356.
Familial cancer of breast. Also called: Hereditary breast cancer; hereditary breast carcinoma; BREAST CANCER, FAMILIAL. Identifiers: Orphanet 227535, MedGen C0346153, MONDO:0016419, OMIM 114480. Disease mechanism: loss of function.
Ataxia-telangiectasia syndrome (AT). Also called: Ataxia-telangiectasia, complementation group D; AT, COMPLEMENTATION GROUP C; ATAXIA-TELANGIECTASIA, COMPLEMENTATION GROUP A; ATAXIA-TELANGIECTASIA, FRESNO VARIANT; Ataxia-telangiectasia; Ataxia telangiectasia (A-T). Identifiers: Orphanet 100, MedGen C0004135, MONDO:0008840, OMIM 208900.

Submissions (3):

Myriad Genetics, Inc.
Classification: Benign for Familial cancer of breast. Last evaluated: 2024-06-12. Review status: criteria provided, single submitter. Criteria: Myriad Autosomal Dominant, Autosomal Recessive and X-Linked Classification Criteria (2023). Collection method: clinical testing. Allele origin: unknown.
Comment: This variant is considered benign. This variant is a silent/synonymous amino acid change and it is not expected to impact splicing.

Labcorp Genetics (formerly Invitae), Labcorp
Classification: Likely benign for Ataxia-telangiectasia syndrome. Last evaluated: 2023-10-30. Review status: criteria provided, single submitter. Criteria: Invitae Variant Classification Sherloc (09022015). Collection method: clinical testing. Allele origin: germline.

Color Diagnostics, LLC DBA Color Health
Classification: Likely benign for Hereditary cancer-predisposing syndrome. Last evaluated: 2019-01-07. Review status: criteria provided, single submitter. Criteria: ACMG Guidelines, 2015. Collection method: clinical testing. Allele origin: germline.